The following is an entry in ClinVar:

ClinVar aggregate classification (germline): Uncertain significance. Review status: criteria provided, multiple submitters, no conflicts (2 of 4 stars). 3 submissions from 3 submitters: Uncertain significance (3). Last evaluated 2025-10-22.

Conditions:
Inborn genetic diseases. Identifiers: MedGen C0950123, MeSH D030342.

Allele frequency attached by ClinVar (database versions not stated): ExAC 0.00003; gnomAD exomes 0.00002; TOPMed 0.00003; gnomAD 0.00001; ESP Exome Variant Server 0.00008.
gnomAD v4.1: 34 of 1,613,846 alleles (0.0021%); highest among the groups gnomAD compares: Non-Finnish European, 0.0026%; no homozygotes.

Submissions (3):

Ambry Genetics
Classification: Uncertain significance for Inborn genetic diseases. Last evaluated: 2025-10-22. Review status: criteria provided, single submitter. Criteria: Ambry Variant Classification Scheme 2023. Collection method: clinical testing. Allele origin: germline.

GeneDx
Classification: Uncertain significance. Last evaluated: 2025-03-12. Review status: criteria provided, single submitter. Criteria: GeneDx Variant Classification Process June 2021. Collection method: clinical testing. Allele origin: germline. Affected: yes.
Comment: Not observed at significant frequency in large population cohorts (gnomAD); In silico analysis supports that this missense variant has a deleterious effect on protein structure/function; Has not been previously published as pathogenic or benign to our knowledge

Labcorp Genetics (formerly Invitae), Labcorp
Classification: Uncertain significance. Last evaluated: 2021-12-02. Review status: criteria provided, single submitter. Criteria: Invitae Variant Classification Sherloc (09022015). Collection method: clinical testing. Allele origin: germline.
Comment: This sequence change replaces serine, which is neutral and polar, with leucine, which is neutral and non-polar, at codon 606 of the LAMA1 protein (p.Ser606Leu). This variant is present in population databases (rs372377426, gnomAD 0.008%). This variant has not been reported in the literature in individuals affected with LAMA1-related conditions. ClinVar contains an entry for this variant (Variation ID: 1018779). Algorithms developed to predict the effect of missense changes on protein structure and function are either unavailable or do not agree on the potential impact of this missense change (SIFT: "Deleterious"; PolyPhen-2: "Benign"; Align-GVGD: "Class C0"). In summary, the available evidence is currently insufficient to determine the role of this variant in disease. Therefore, it has been classified as a Variant of Uncertain Significance.

NM_005559.4(LAMA1):c.1817C>T (p.Ser606Leu)

Gene: LAMA1 (laminin subunit alpha 1; minus strand). Cytogenetic location: 18p11.31.
Variant type: single nucleotide variant.
Coding change: c.1817C>T on transcript NM_005559.4 (MANE Select); coding-DNA position 1817, C replaced by T.
Protein change: p.Ser606Leu; replaces serine 606 with leucine.
Molecular consequence: missense variant.
Genome position (GRCh38, 1-based): chr18:7,036,009, G>A on the plus strand (C>T on the coding strand, the complement: LAMA1 is on the minus strand). VCF-style: chr18-7036009-G-A. GRCh37 (hg19) VCF-style: chr18-7036008-G-A.
Other names: c.1817C>T (NM_005559.3); short protein forms S606L.
Identifiers: ClinVar variation 1018779 (VCV001018779.6), dbSNP rs372377426, ClinGen allele CA8882858.